The following is an entry in ClinVar:

ClinVar aggregate classification (germline): Uncertain significance (1 of 4 stars; one submission).

Submission:

Labcorp Genetics (formerly Invitae), Labcorp
Classification: Uncertain significance. Last evaluated: 2024-06-01. Review status: criteria provided, single submitter. Criteria: Invitae Variant Classification Sherloc (09022015). Collection method: clinical testing. Allele origin: germline.
Comment: This sequence change replaces valine, which is neutral and non-polar, with methionine, which is neutral and non-polar, at codon 2199 of the PIEZO2 protein (p.Val2199Met). This variant is present in population databases (rs772423873, gnomAD 0.006%), including at least one homozygous and/or hemizygous individual. This variant has not been reported in the literature in individuals affected with PIEZO2-related conditions. Advanced modeling of protein sequence and biophysical properties (such as structural, functional, and spatial information, amino acid conservation, physicochemical variation, residue mobility, and thermodynamic stability) performed at Invitae indicates that this missense variant is expected to disrupt PIEZO2 protein function with a positive predictive value of 80%. In summary, the available evidence is currently insufficient to determine the role of this variant in disease. Therefore, it has been classified as a Variant of Uncertain Significance.

NM_001378183.1(PIEZO2):c.6934G>A (p.Val2312Met)

Gene: PIEZO2 (piezo type mechanosensitive ion channel component 2; minus strand). Cytogenetic location: 18p11.22.
Variant type: single nucleotide variant.
Coding change: c.6934G>A on transcript NM_001378183.1 (MANE Select); coding-DNA position 6934, G replaced by A.
Protein change: p.Val2312Met; replaces valine 2312 with methionine.
Molecular consequence: missense variant.
Genome position (GRCh38, 1-based): chr18:10,696,433, C>T on the plus strand (G>A on the coding strand, the complement: PIEZO2 is on the minus strand). VCF-style: chr18-10696433-C-T. GRCh37 (hg19) VCF-style: chr18-10696431-C-T.
Other names: c.6670G>A, p.Val2224Met (NM_001410871.1); c.6595G>A, p.Val2199Met (NM_022068.4); short protein forms V2199M, V2224M, V2312M.
Identifiers: ClinVar variation 3618796 (VCV003618796.2).